The following is an entry in ClinVar:

ClinVar aggregate classification (germline): Benign. Review status: criteria provided, single submitter (1 of 4 stars). 2 submissions from 2 submitters: Benign (1). 1 of the submissions does not count toward it. Last evaluated 2025-04-12.

Conditions:
KRT74-related disorder. Also called: KRT74-related condition.

Allele frequency attached by ClinVar (database versions not stated): TOPMed 0.00003; gnomAD 0.00010; gnomAD exomes 0.00015; 1000 Genomes Project 30x 0.00016; 1000 Genomes Project 0.00020; ExAC 0.00026.

Submissions (2):

Labcorp Genetics (formerly Invitae), Labcorp
Classification: Benign. Last evaluated: 2025-04-12. Review status: criteria provided, single submitter. Criteria: Invitae Variant Classification Sherloc (09022015). Collection method: clinical testing. Allele origin: germline.

PreventionGenetics, part of Exact Sciences
Classification: Likely benign for KRT74-related condition. Last evaluated: 2019-04-03. Review status: no assertion criteria provided. Collection method: clinical testing. Allele origin: germline. Not counted in ClinVar's aggregate classification.
Comment: This variant is classified as likely benign based on ACMG/AMP sequence variant interpretation guidelines (Richards et al. 2015 PMID: 25741868, with internal and published modifications).

NM_175053.4(KRT74):c.1179A>C (p.Gly393=)

Gene: KRT74 (keratin 74; minus strand). Cytogenetic location: 12q13.13.
Variant type: single nucleotide variant.
Coding change: c.1179A>C on transcript NM_175053.4 (MANE Select); coding-DNA position 1179, A replaced by C.
Protein change: p.Gly393=; no amino-acid change (glycine 393 retained).
Molecular consequence: synonymous variant.
Genome position (GRCh38, 1-based): chr12:52,568,345, T>G on the plus strand (A>C on the coding strand, the complement: KRT74 is on the minus strand). VCF-style: chr12-52568345-T-G. GRCh37 (hg19) VCF-style: chr12-52962129-T-G.
Identifiers: ClinVar variation 3058034 (VCV003058034.3), dbSNP rs560061785, ClinGen allele CA6583738.
Genomic context (GRCh38, chr12:52,568,345, plus strand): 5'-CTGGTGCAGGGCGCCCTCCAGCTCATCCAGCTTGGCCTGGGCATCCTTCAGGGCATTGTC[T>G]CCCCGCTGCTCAGCGTCAGCGATGGCCGTCTCCAGGCTGGCACGCTGAAGGGCAAAGAAC-3'
Protein context (NP_778223.2, residues 383-403): ETAIADAEQR[Gly393=]DNALKDAQAK